The following is an entry in ClinVar:

NM_001198800.3(ASCC1):c.100G>A (p.Asp34Asn)

Gene: ASCC1 (activating signal cointegrator 1 complex subunit 1; minus strand). Cytogenetic location: 10q22.1.
Variant type: single nucleotide variant.
Coding change: c.100G>A on transcript NM_001198800.3 (MANE Select); coding-DNA position 100, G replaced by A.
Protein change: p.Asp34Asn; replaces aspartic acid 34 with asparagine.
Molecular consequence: missense variant. On other transcripts: 5 prime UTR variant (5), non-coding transcript variant (1).
Genome position (GRCh38, 1-based): chr10:72,213,199, C>T on the plus strand (G>A on the coding strand, the complement: ASCC1 is on the minus strand). VCF-style: chr10-72213199-C-T. GRCh37 (hg19) VCF-style: chr10-73972957-C-T.
Other names: p.Asp34Asn; c.100G>A, p.Asp34Asn (NM_001198798.2, NM_001198799.3, NM_001369087.1 and 19 more transcripts); c.166G>A, p.Asp56Asn (NM_001369085.1, NM_001369086.1, NM_001369099.1); c.-116G>A (NM_001369101.1, NM_001369102.1, NM_001369105.1 and 2 more transcripts); short protein forms D34N, D56N.
Identifiers: ClinVar variation 1279546 (VCV001279546.13), dbSNP rs11558719, ClinGen allele CA5549165.

ClinVar aggregate classification (germline): Benign. Review status: criteria provided, multiple submitters, no conflicts (2 of 4 stars). 5 submissions from 5 submitters: Benign (4). 1 of the submissions does not count toward it. Last evaluated 2026-02-01.

Conditions:
ASCC1-related disorder. Also called: ASCC1-related condition; ASCC1-Related Disorders.

Allele frequency attached by ClinVar (database versions not stated): gnomAD exomes 0.04200; ExAC 0.04665; gnomAD 0.07924 and 0.08101; ESP Exome Variant Server 0.08504; TOPMed 0.08678; 1000 Genomes Project 0.11262; 1000 Genomes Project 30x 0.11493.
gnomAD v4.1: 44,989 of 1,600,992 alleles (2.8%); highest among the groups gnomAD compares: African/African-American, 23%; 2,946 homozygotes.

Submissions (5):

Labcorp Genetics (formerly Invitae), Labcorp
Classification: Benign. Last evaluated: 2026-02-01. Review status: criteria provided, single submitter. Criteria: Invitae Variant Classification Sherloc (09022015). Collection method: clinical testing. Allele origin: germline.

Mayo Clinic Laboratories, Mayo Clinic
Classification: Benign. Last evaluated: 2022-03-23. Review status: criteria provided, single submitter. Criteria: ACMG Guidelines, 2015. Collection method: clinical testing. Allele origin: germline. Observed: 30 variant alleles.

GeneDx
Classification: Benign. Last evaluated: 2021-05-04. Review status: criteria provided, single submitter. Criteria: GeneDx Variant Classification Process June 2021. Collection method: clinical testing. Allele origin: germline. Affected: yes.

Breakthrough Genomics
Classification: Benign. Review status: criteria provided, single submitter. Criteria: ACMG Guidelines, 2015. Collection method: not provided. Allele origin: germline. Inheritance: Autosomal recessive inheritance. Affected: yes.

PreventionGenetics, part of Exact Sciences
Classification: Benign for ASCC1-related condition. Last evaluated: 2020-01-14. Review status: no assertion criteria provided. Collection method: clinical testing. Allele origin: germline. Not counted in ClinVar's aggregate classification.
Comment: This variant is classified as benign based on ACMG/AMP sequence variant interpretation guidelines (Richards et al. 2015 PMID: 25741868, with internal and published modifications).